The following is an entry in ClinVar:

NM_002471.4(MYH6):c.635C>T (p.Ala212Val)

Genes: MYH6 (myosin heavy chain 6; minus strand), LOC114827851 (VISTA enhancer hs2155; plus strand). Cytogenetic location: 14q11.2.
Variant type: single nucleotide variant.
Coding change: c.635C>T on transcript NM_002471.4 (MANE Select); coding-DNA position 635, C replaced by T.
Protein change: p.Ala212Val; replaces alanine 212 with valine.
Molecular consequence: missense variant.
Genome position (GRCh38, 1-based): chr14:23,404,718, G>A on the plus strand (C>T on the coding strand, the complement: MYH6 is on the minus strand). VCF-style: chr14-23404718-G-A. GRCh37 (hg19) VCF-style: chr14-23873927-G-A.
Other names: short protein forms A212V.
Identifiers: ClinVar variation 519020 (VCV000519020.19), dbSNP rs780456381, ClinGen allele CA7116098.

ClinVar aggregate classification (germline): Conflicting classifications of pathogenicity. Review status: criteria provided, conflicting classifications (1 of 4 stars). 6 submissions from 6 submitters: Uncertain significance (3); Likely benign (3). Last evaluated 2026-03-24.

Conditions:
Cardiovascular phenotype. Identifiers: MedGen CN230736.
Hypertrophic cardiomyopathy 14. Identifiers: MedGen C2750467, MONDO:0013197, OMIM 613251.
MYH6-related disorder. Also called: MYH6-related condition; MYH6-Related Disorders.

Allele frequency attached by ClinVar (database versions not stated): ExAC 0.00002; gnomAD 0.00003; gnomAD exomes 0.00003; TOPMed 0.00005.
gnomAD v4.1: 144 of 1,613,918 alleles (0.0089%); highest among the groups gnomAD compares: Non-Finnish European, 0.012%; no homozygotes.

Submissions (6):

Dasa
Classification: Uncertain significance. Last evaluated: 2026-03-24. Review status: criteria provided, single submitter. Criteria: DASA Assertion Criteria. Collection method: clinical testing. Allele origin: germline.
Comment: NM_002471.4(MYH6):c.635C>T (p.Ala212Val) is a missense variant that results in the substitution of alanine with valine. The variant is present at low frequency in population datasets. Based on the available data, this variant is classified as variant of uncertain significance.

Labcorp Genetics (formerly Invitae), Labcorp
Classification: Uncertain significance for Hypertrophic cardiomyopathy 14. Last evaluated: 2026-01-07. Review status: criteria provided, single submitter. Criteria: Invitae Variant Classification Sherloc (09022015). Collection method: clinical testing. Allele origin: germline.
Comment: This sequence change replaces alanine, which is neutral and non-polar, with valine, which is neutral and non-polar, at codon 212 of the MYH6 protein (p.Ala212Val). This variant is present in population databases (rs780456381, gnomAD 0.006%). This missense change has been observed in individual(s) with Wolff–Parkinson–White syndrome (PMID: 26284702). ClinVar contains an entry for this variant (Variation ID: 519020). Invitae Evidence Modeling of protein sequence and biophysical properties (such as structural, functional, and spatial information, amino acid conservation, physicochemical variation, residue mobility, and thermodynamic stability) indicates that this missense variant is not expected to disrupt MYH6 protein function with a negative predictive value of 80%. In summary, the available evidence is currently insufficient to determine the role of this variant in disease. Therefore, it has been classified as a Variant of Uncertain Significance.

Ambry Genetics
Classification: Uncertain significance for Cardiovascular phenotype. Last evaluated: 2025-07-03. Review status: criteria provided, single submitter. Criteria: Ambry Variant Classification Scheme 2023. Collection method: clinical testing. Allele origin: germline.
Comment: The p.A212V variant (also known as c.635C>T), located in coding exon 5 of the MYH6 gene, results from a C to T substitution at nucleotide position 635. The alanine at codon 212 is replaced by valine, an amino acid with similar properties. This alteration has been reported in a Wolff-Parkinson-White cohort, but clinical details were limited (Bowles NE et al. Am. J. Med. Genet. A. 2015;167A:2975-84). This amino acid position is not well conserved in available vertebrate species. In addition, this alteration is predicted to be tolerated by in silico analysis. Since supporting evidence is limited at this time, the clinical significance of this alteration remains unclear.

PreventionGenetics, part of Exact Sciences
Classification: Likely benign for MYH6-related condition. Last evaluated: 2025-05-07. Review status: criteria provided, single submitter. Criteria: ACMG Guidelines, 2015. Collection method: clinical testing. Allele origin: germline.
Comment: This variant is classified as likely benign based on ACMG/AMP sequence variant interpretation guidelines (Richards et al. 2015 PMID: 25741868, with internal and published modifications).

Blueprint Genetics
Classification: Likely benign. Last evaluated: 2024-09-18. Review status: criteria provided, single submitter. Criteria: ACMG Guidelines, 2015. Collection method: clinical testing. Allele origin: germline.

Molecular Diagnostic Laboratory for Inherited Cardiovascular Disease, Montreal Heart Institute
Classification: Likely benign. Last evaluated: 2017-04-24. Review status: criteria provided, single submitter. Criteria: ACMG Guidelines, 2015. Collection method: clinical testing. Allele origin: germline. Affected: yes.

Literature cited by the submitters: PubMed 26284702 (cited by Labcorp Genetics (formerly Invitae), Labcorp and Ambry Genetics).